The following is an entry in ClinVar:

NM_000038.6(APC):c.8363C>A (p.Pro2788Gln)

Gene: APC (APC regulator of Wnt signaling pathway; plus strand). Cytogenetic location: 5q22.2.
Variant type: single nucleotide variant.
Coding change: c.8363C>A on transcript NM_000038.6 (MANE Select); coding-DNA position 8363, C replaced by A.
Protein change: p.Pro2788Gln; replaces proline 2788 with glutamine.
Molecular consequence: missense variant.
Genome position (GRCh38, 1-based): chr5:112,843,957, C>A. VCF-style: chr5-112843957-C-A. GRCh37 (hg19) VCF-style: chr5-112179654-C-A.
Other names: c.8363C>A, p.Pro2788Gln (NM_001127510.3, NM_001354895.2); c.8309C>A, p.Pro2770Gln (NM_001127511.3); c.8417C>A, p.Pro2806Gln (NM_001354896.2); c.8393C>A, p.Pro2798Gln (NM_001354897.2); c.8288C>A, p.Pro2763Gln (NM_001354898.2); c.8279C>A, p.Pro2760Gln (NM_001354899.2); c.8240C>A, p.Pro2747Gln (NM_001354900.2); c.8186C>A, p.Pro2729Gln (NM_001354901.2); and 5 more; short protein forms P2505Q, P2628Q, P2662Q, P2687Q, P2697Q, P2729Q, P2747Q, P2760Q.
Identifiers: ClinVar variation 1186495 (VCV001186495.3), dbSNP rs2150004025, ClinGen allele CA16039480.

ClinVar aggregate classification (germline): Uncertain significance. Review status: criteria provided, multiple submitters, no conflicts (2 of 4 stars). 2 submissions from 2 submitters: Uncertain significance (2). Last evaluated 2026-07-14.

Conditions:
Hereditary cancer-predisposing syndrome. Also called: Neoplastic Syndromes, Hereditary; Tumor predisposition; Hereditary Cancer Syndrome; Hereditary neoplastic syndrome. Identifiers: Orphanet 140162, MedGen C0027672, MeSH D009386, MONDO:0015356.

Submissions (2):

Ambry Genetics
Classification: Uncertain significance for Hereditary cancer-predisposing syndrome. Last evaluated: 2026-07-14. Review status: criteria provided, single submitter. Criteria: Ambry Variant Classification Scheme 2023. Collection method: clinical testing. Allele origin: germline.
Comment: The p.P2788Q variant (also known as c.8363C>A), located in coding exon 15 of the APC gene, results from a C to A substitution at nucleotide position 8363. The proline at codon 2788 is replaced by glutamine, an amino acid with similar properties. This amino acid position is conserved. In addition, in silico predictors for this gene do not accurately predict pathogenicity. Based on the available evidence, the clinical significance of this variant remains unclear.

GeneDx
Classification: Uncertain significance. Last evaluated: 2020-01-23. Review status: criteria provided, single submitter. Criteria: GeneDx Variant Classification Process June 2021. Collection method: clinical testing. Allele origin: germline. Affected: yes.
Comment: Has not been previously published as pathogenic or benign to our knowledge; Not observed in large population cohorts (Lek 2016); In silico analysis, which includes protein predictors and evolutionary conservation, supports a deleterious effect